The following is an entry in ClinVar:

NM_001184880.2(PCDH19):c.1465T>C (p.Ser489Pro)

Gene: PCDH19 (protocadherin 19; minus strand). Cytogenetic location: Xq22.1.
Variant type: single nucleotide variant.
Coding change: c.1465T>C on transcript NM_001184880.2 (MANE Select); coding-DNA position 1465, T replaced by C.
Protein change: p.Ser489Pro; replaces serine 489 with proline.
Molecular consequence: missense variant.
Genome position (GRCh38, 1-based): chrX:100,407,133, A>G on the plus strand (T>C on the coding strand, the complement: PCDH19 is on the minus strand). VCF-style: chrX-100407133-A-G. GRCh37 (hg19) VCF-style: chrX-99662131-A-G.
Other names: c.1465T>C, p.Ser489Pro (NM_001105243.2, NM_020766.3); short protein forms S489P.
Identifiers: ClinVar variation 450108 (VCV000450108.1), dbSNP rs1555985153, ClinGen allele CA414002670.

ClinVar aggregate classification (germline): Uncertain significance (1 of 4 stars; one submission).

Submission:

GeneDx
Classification: Uncertain significance. Last evaluated: 2017-06-27. Review status: criteria provided, single submitter. Criteria: GeneDx Variant Classification (06012015). Collection method: clinical testing. Allele origin: germline. Affected: yes.
Comment: A variant of uncertain significance has been identified in the PCDH19 gene. The S489P variant has not been published as a pathogenic variant, nor has it been reported as a benign variant to our knowledge. The S489P variant is not observed in large population cohorts (Lek et al., 2016; 1000 Genomes Consortium et al., 2015; Exome Variant Server). The S489P variant is a non-conservative amino acid substitution, which is likely to impact secondary protein structure as these residues differ in polarity, charge, size and/or other properties. This substitution occurs at a position that is conserved in mammals, and in silico analysis predicts this variant is probably damaging to the protein structure/function. Based on the currently available information, it is unclear whether this variant is a pathogenic variant or a rare benign variant.